The following is an entry in ClinVar:

NM_001394073.1(HS6ST2):c.146C>T (p.Ser49Leu)

Gene: HS6ST2 (heparan sulfate 6-O-sulfotransferase 2; minus strand). Cytogenetic location: Xq26.2.
Variant type: single nucleotide variant.
Coding change: c.146C>T on transcript NM_001394073.1 (MANE Select); coding-DNA position 146, C replaced by T.
Protein change: p.Ser49Leu; replaces serine 49 with leucine.
Molecular consequence: missense variant.
Genome position (GRCh38, 1-based): chrX:132,958,457, G>A on the plus strand (C>T on the coding strand, the complement: HS6ST2 is on the minus strand). VCF-style: chrX-132958457-G-A. GRCh37 (hg19) VCF-style: chrX-132092485-G-A.
Other names: c.146C>T, p.Ser49Leu (NM_001077188.2, NM_001394074.1, NM_147175.4); short protein forms S49L.
Identifiers: ClinVar variation 3042345 (VCV003042345.2), dbSNP rs181526961, ClinGen allele CA10519702.

ClinVar aggregate classification (germline): Benign (0 of 4 stars; one submission).

Conditions:
HS6ST2-related disorder. Also called: HS6ST2-related condition.

Allele frequency attached by ClinVar (database versions not stated): ESP Exome Variant Server 0.00666; 1000 Genomes Project 30x 0.00749; TOPMed 0.00764; 1000 Genomes Project 0.00821; gnomAD 0.00958; gnomAD exomes 0.01212; ExAC 0.01971.
gnomAD v4.1: 14,231 of 1,197,531 alleles (1.2%); highest among the groups gnomAD compares: South Asian, 2.2%; 73 homozygotes.

Submission:

PreventionGenetics, part of Exact Sciences
Classification: Benign for HS6ST2-related condition. Last evaluated: 2020-02-18. Review status: no assertion criteria provided. Collection method: clinical testing. Allele origin: germline.
Comment: This variant is classified as benign based on ACMG/AMP sequence variant interpretation guidelines (Richards et al. 2015 PMID: 25741868, with internal and published modifications).